The following is an entry in ClinVar:

NM_020680.4(SCYL1):c.1809G>A (p.Thr603=)

Gene: SCYL1 (SCY1 like pseudokinase 1; plus strand). Cytogenetic location: 11q13.1.
Variant type: single nucleotide variant.
Coding change: c.1809G>A on transcript NM_020680.4 (MANE Select); coding-DNA position 1809, G replaced by A.
Protein change: p.Thr603=; no amino-acid change (threonine 603 retained).
Molecular consequence: synonymous variant.
Genome position (GRCh38, 1-based): chr11:65,536,743, G>A. VCF-style: chr11-65536743-G-A. GRCh37 (hg19) VCF-style: chr11-65304214-G-A.
Other names: c.1809G>A, p.Thr603= (NM_001048218.2, NM_001411022.1).
Identifiers: ClinVar variation 2641958 (VCV002641958.24), dbSNP rs749258414, ClinGen allele CA6099930.
Genomic context (GRCh38, chr11:65,536,743, plus strand): 5'-GCTGATCCGTTCGCACCCAACCACTGCCCCAACAGAAACCAACATTCCCCAAAGACCCAC[G>A]CCTGAAGGTGAGTGTCCTGGCCTAGCTGCATCAGTGGCTGAGAGGGCTGAGAGCTGCAGG-3'
Protein context (NP_065731.3, residues 593-613): PTETNIPQRP[Thr603=]PEGVPAPAPT

ClinVar aggregate classification (germline): Likely benign (1 of 4 stars; one submission).

Allele frequency attached by ClinVar (database versions not stated): ExAC 0.00001; TOPMed 0.00001; gnomAD 0.00003; gnomAD exomes 0.00003.

Submission:

CeGaT Center for Human Genetics Tuebingen
Classification: Likely benign. Last evaluated: 2022-07-01. Review status: criteria provided, single submitter. Criteria: CeGaT Center For Human Genetics Tuebingen Variant Classification Criteria Version 2. Collection method: clinical testing. Allele origin: germline. Affected: yes. Observed: 1 variant allele.
Comment: SCYL1: BP4, BP7